The following is an entry in ClinVar:

ClinVar aggregate classification (germline): Uncertain significance. Review status: criteria provided, multiple submitters, no conflicts (2 of 4 stars). 3 submissions from 3 submitters: Uncertain significance (3). Last evaluated 2024-06-13.

Conditions:
Hereditary cancer-predisposing syndrome. Also called: Neoplastic Syndromes, Hereditary; Tumor predisposition; Hereditary Cancer Syndrome; Hereditary neoplastic syndrome. Identifiers: Orphanet 140162, MedGen C0027672, MeSH D009386, MONDO:0015356.
Familial cancer of breast. Also called: BREAST CANCER, FAMILIAL; Hereditary breast cancer; hereditary breast carcinoma. Identifiers: Orphanet 227535, MedGen C0346153, MONDO:0016419, OMIM 114480. Disease mechanism: loss of function.

Submissions (3):

Color Diagnostics, LLC DBA Color Health
Classification: Uncertain significance for Hereditary cancer-predisposing syndrome. Last evaluated: 2024-06-13. Review status: criteria provided, single submitter. Criteria: ACMG Guidelines, 2015. Collection method: clinical testing. Allele origin: germline.
Comment: This missense variant replaces serine with asparagine at codon 979 of the PALB2 protein. Computational prediction suggests that this variant may not impact protein structure and function. To our knowledge, functional studies have not been reported for this variant. This variant has not been reported in individuals affected with PALB2-related disorders in the literature. This variant has been identified in 1/31396 chromosomes in the general population by the Genome Aggregation Database (gnomAD). The available evidence is insufficient to determine the role of this variant in disease conclusively. Therefore, this variant is classified as a Variant of Uncertain Significance.

Labcorp Genetics (formerly Invitae), Labcorp
Classification: Uncertain significance for Familial cancer of breast. Last evaluated: 2022-05-08. Review status: criteria provided, single submitter. Criteria: Invitae Variant Classification Sherloc (09022015). Collection method: clinical testing. Allele origin: germline.
Comment: This sequence change replaces serine, which is neutral and polar, with asparagine, which is neutral and polar, at codon 979 of the PALB2 protein (p.Ser979Asn). This variant is present in population databases (no rsID available, gnomAD 0.01%). This variant has not been reported in the literature in individuals affected with PALB2-related conditions. Algorithms developed to predict the effect of missense changes on protein structure and function output the following: SIFT: "Tolerated"; PolyPhen-2: "Benign"; Align-GVGD: "Class C0". The asparagine amino acid residue is found in multiple mammalian species, which suggests that this missense change does not adversely affect protein function. In summary, the available evidence is currently insufficient to determine the role of this variant in disease. Therefore, it has been classified as a Variant of Uncertain Significance.

Ambry Genetics
Classification: Uncertain significance for Hereditary cancer-predisposing syndrome. Last evaluated: 2022-02-16. Review status: criteria provided, single submitter. Criteria: Ambry Variant Classification Scheme 2023. Collection method: clinical testing. Allele origin: germline.
Comment: The p.S979N variant (also known as c.2936G>A), located in coding exon 9 of the PALB2 gene, results from a G to A substitution at nucleotide position 2936. The serine at codon 979 is replaced by asparagine, an amino acid with highly similar properties. This amino acid position is not well conserved in available vertebrate species. In addition, this alteration is predicted to be tolerated by in silico analysis. Since supporting evidence is limited at this time, the clinical significance of this alteration remains unclear.

NM_024675.4(PALB2):c.2936G>A (p.Ser979Asn)

Gene: PALB2 (partner and localizer of BRCA2; minus strand). Cytogenetic location: 16p12.2.
Variant type: single nucleotide variant.
Coding change: c.2936G>A on transcript NM_024675.4 (MANE Select); coding-DNA position 2936, G replaced by A.
Protein change: p.Ser979Asn; replaces serine 979 with asparagine.
Molecular consequence: missense variant.
Genome position (GRCh38, 1-based): chr16:23,623,029, C>T on the plus strand (G>A on the coding strand, the complement: PALB2 is on the minus strand). VCF-style: chr16-23623029-C-T. GRCh37 (hg19) VCF-style: chr16-23634350-C-T.
Other names: c.2876G>A, p.Ser959Asn (NM_001407296.1); c.2864G>A, p.Ser955Asn (NM_001407297.1); c.2774G>A, p.Ser925Asn (NM_001407298.1, NM_001407302.1); c.2936G>A, p.Ser979Asn (NM_001407299.1, NM_001407301.1); c.2051G>A, p.Ser684Asn (NM_001407304.1, NM_001407305.1, NM_001407306.1 and 4 more transcripts); c.1889G>A, p.Ser630Asn (NM_001407307.1); c.1148G>A, p.Ser383Asn (NM_001407312.1, NM_001407313.1); c.470G>A, p.Ser157Asn (NM_001407314.1); short protein forms S955N, S979N, S157N, S383N, S630N, S925N, S684N, S959N.
Identifiers: ClinVar variation 1797865 (VCV001797865.5), dbSNP rs1417567084, ClinGen allele CA395144142.